The following is an entry in ClinVar:

ClinVar aggregate classification (germline): Uncertain significance. Review status: criteria provided, multiple submitters, no conflicts (2 of 4 stars). 2 submissions from 2 submitters: Uncertain significance (2). Last evaluated 2025-10-30.

Submissions (2):

Labcorp Genetics (formerly Invitae), Labcorp
Classification: Uncertain significance. Last evaluated: 2025-10-30. Review status: criteria provided, single submitter. Criteria: Invitae Variant Classification Sherloc (09022015). Collection method: clinical testing. Allele origin: germline.
Comment: This sequence change replaces proline, which is neutral and non-polar, with arginine, which is basic and polar, at codon 255 of the GALNT12 protein (p.Pro255Arg). This variant is not present in population databases (gnomAD no frequency). This variant has not been reported in the literature in individuals affected with GALNT12-related conditions. ClinVar contains an entry for this variant (Variation ID: 3280595). Invitae Evidence Modeling of protein sequence and biophysical properties (such as structural, functional, and spatial information, amino acid conservation, physicochemical variation, residue mobility, and thermodynamic stability) indicates that this missense variant is expected to disrupt GALNT12 protein function with a positive predictive value of 80%. In summary, the available evidence is currently insufficient to determine the role of this variant in disease. Therefore, it has been classified as a Variant of Uncertain Significance.

Ambry Genetics
Classification: Uncertain significance. Last evaluated: 2024-06-12. Review status: criteria provided, single submitter. Criteria: Ambry Variant Classification Scheme 2023. Collection method: clinical testing. Allele origin: germline.
Comment: The p.P255R variant (also known as c.764C>G), located in coding exon 4 of the GALNT12 gene, results from a C to G substitution at nucleotide position 764. The proline at codon 255 is replaced by arginine, an amino acid with dissimilar properties. This amino acid position is conserved. In addition, this alteration is predicted to be deleterious by in silico analysis. Based on the available evidence, the clinical significance of this variant remains unclear.

NM_024642.5(GALNT12):c.764C>G (p.Pro255Arg)

Gene: GALNT12 (polypeptide N-acetylgalactosaminyltransferase 12; plus strand). Cytogenetic location: 9q22.33.
Variant type: single nucleotide variant.
Coding change: c.764C>G on transcript NM_024642.5 (MANE Select); coding-DNA position 764, C replaced by G.
Protein change: p.Pro255Arg; replaces proline 255 with arginine.
Molecular consequence: missense variant.
Genome position (GRCh38, 1-based): chr9:98,831,804, C>G. VCF-style: chr9-98831804-C-G. GRCh37 (hg19) VCF-style: chr9-101594086-C-G.
Other names: short protein forms P255R.
Identifiers: ClinVar variation 3280595 (VCV003280595.2).